The following is an entry in ClinVar:

ClinVar aggregate classification (germline): Benign/Likely benign. Review status: criteria provided, multiple submitters, no conflicts (2 of 4 stars). 6 submissions from 6 submitters: Benign (1); Likely benign (5). Last evaluated 2026-03-27.

Conditions:
Cardiovascular phenotype. Identifiers: MedGen CN230736.
Dilated cardiomyopathy 1HH (CMD1HH). Identifiers: Orphanet 154, MedGen C3151293, MONDO:0013479, OMIM 613881.
Myofibrillar myopathy 6. Identifiers: Orphanet 199340, MedGen C2751831, MONDO:0013061, OMIM 612954.

Allele frequency attached by ClinVar (database versions not stated): gnomAD exomes 0.00005 and 0.00009; ExAC 0.00015; ESP Exome Variant Server 0.00016; gnomAD 0.00029 and 0.00033; TOPMed 0.00030; 1000 Genomes Project 30x 0.00031; 1000 Genomes Project 0.00040.
gnomAD v4.1: 157 of 1,609,460 alleles (0.0098%); highest among the groups gnomAD compares: African/African-American, 0.11%; 5 homozygotes.

Submissions (6):

Molecular Diagnostic Laboratory for Inherited Cardiovascular Disease, Montreal Heart Institute
Classification: Likely benign. Last evaluated: 2026-03-27. Review status: criteria provided, single submitter. Criteria: ACMG Guidelines, 2015. Collection method: clinical testing. Allele origin: germline. Affected: no.
Comment: BS1;BP7

Labcorp Genetics (formerly Invitae), Labcorp
Classification: Benign for Dilated cardiomyopathy 1HH; Myofibrillar myopathy 6. Last evaluated: 2026-01-12. Review status: criteria provided, single submitter. Criteria: Invitae Variant Classification Sherloc (09022015). Collection method: clinical testing. Allele origin: germline.

Blueprint Genetics
Classification: Likely benign. Last evaluated: 2024-09-05. Review status: criteria provided, single submitter. Criteria: ACMG Guidelines, 2015. Collection method: clinical testing. Allele origin: germline.

GeneDx
Classification: Likely benign. Last evaluated: 2019-10-25. Review status: criteria provided, single submitter. Criteria: GeneDx Variant Classification Process June 2021. Collection method: clinical testing. Allele origin: germline. Affected: yes.

Ambry Genetics
Classification: Likely benign for Cardiovascular phenotype. Last evaluated: 2019-07-05. Review status: criteria provided, single submitter. Criteria: Ambry Variant Classification Scheme 2023. Collection method: clinical testing. Allele origin: germline.

Breakthrough Genomics
Classification: Likely benign. Review status: criteria provided, single submitter. Criteria: ACMG Guidelines, 2015. Collection method: not provided. Allele origin: germline. Inheritance: Autosomal dominant inheritance. Affected: yes.

NM_004281.4(BAG3):c.498C>T (p.His166=)

Gene: BAG3 (BAG cochaperone 3; plus strand). Cytogenetic location: 10q26.11.
Variant type: single nucleotide variant.
Coding change: c.498C>T on transcript NM_004281.4 (MANE Select); coding-DNA position 498, C replaced by T.
Protein change: p.His166=; no amino-acid change (histidine 166 retained).
Molecular consequence: synonymous variant.
Genome position (GRCh38, 1-based): chr10:119,670,168, C>T. VCF-style: chr10-119670168-C-T. GRCh37 (hg19) VCF-style: chr10-121429680-C-T.
Identifiers: ClinVar variation 389951 (VCV000389951.19), dbSNP rs111682654, ClinGen allele CA5716335.